The following is an entry in ClinVar:

ClinVar aggregate classification (germline): Uncertain significance (1 of 4 stars; one submission).

gnomAD v4.1: 95 of 1,602,192 alleles (0.0059%); highest among the groups gnomAD compares: Non-Finnish European, 0.0075%; no homozygotes.

Submission:

Labcorp Genetics (formerly Invitae), Labcorp
Classification: Uncertain significance. Last evaluated: 2024-04-07. Review status: criteria provided, single submitter. Criteria: Invitae Variant Classification Sherloc (09022015). Collection method: clinical testing. Allele origin: germline.
Comment: This sequence change replaces isoleucine, which is neutral and non-polar, with valine, which is neutral and non-polar, at codon 303 of the ROR2 protein (p.Ile303Val). This variant is present in population databases (rs751490813, gnomAD 0.01%). This variant has not been reported in the literature in individuals affected with ROR2-related conditions. Advanced modeling of protein sequence and biophysical properties (such as structural, functional, and spatial information, amino acid conservation, physicochemical variation, residue mobility, and thermodynamic stability) performed at Invitae indicates that this missense variant is not expected to disrupt ROR2 protein function with a negative predictive value of 80%. In summary, the available evidence is currently insufficient to determine the role of this variant in disease. Therefore, it has been classified as a Variant of Uncertain Significance.

NM_004560.4(ROR2):c.907A>G (p.Ile303Val)

Gene: ROR2 (receptor tyrosine kinase like orphan receptor 2; minus strand). Cytogenetic location: 9q22.31.
Variant type: single nucleotide variant.
Coding change: c.907A>G on transcript NM_004560.4 (MANE Select); coding-DNA position 907, A replaced by G.
Protein change: p.Ile303Val; replaces isoleucine 303 with valine.
Molecular consequence: missense variant.
Genome position (GRCh38, 1-based): chr9:91,733,152, T>C on the plus strand (A>G on the coding strand, the complement: ROR2 is on the minus strand). VCF-style: chr9-91733152-T-C. GRCh37 (hg19) VCF-style: chr9-94495434-T-C.
Other names: c.907A>G, p.Ile303Val (NM_001318204.2); short protein forms I303V.
Identifiers: ClinVar variation 3606346 (VCV003606346.2).
Genomic context (GRCh38, chr9:91,733,152, plus strand): 5'-CGGTCCCGCCCCGGGCCCTCGGGCACTCACAGCGGCCCAGCCTCTCGGCTGGGATGCCAA[T>C]GCGCATGCAGTTGGCAGCGTCGGGGCTCTCAGGCATGGGCAGCGCCTCACACTTGGGCAG-3'
Protein context (NP_004551.2, residues 293-313): ESPDAANCMR[Ile303Val]GIPAERLGRY